The following is an entry in ClinVar:

NM_001134363.3(RBM20):c.3001G>C (p.Gly1001Arg)

Gene: RBM20 (RNA binding motif protein 20; plus strand). Cytogenetic location: 10q25.2.
Variant type: single nucleotide variant.
Coding change: c.3001G>C on transcript NM_001134363.3 (MANE Select); coding-DNA position 3001, G replaced by C.
Protein change: p.Gly1001Arg; replaces glycine 1001 with arginine.
Molecular consequence: missense variant.
Genome position (GRCh38, 1-based): chr10:110,821,620, G>C. VCF-style: chr10-110821620-G-C. GRCh37 (hg19) VCF-style: chr10-112581378-G-C.
Other names: short protein forms G1001R.
Identifiers: ClinVar variation 4844989 (VCV004844989.1).
Genomic context (GRCh38, chr10:110,821,620, plus strand): 5'-CCCAGAGAACTGCCCTCTGCTTCCACAAGCTGTCCCAGTGACATGGACGTGGAAATGCCT[G>C]GCCTAAATCTGGATGCTGAGCGGAAGCCAGCTGAAAGTGAGACAGGCCTCTCCCTGGAGG-3'
Protein context (NP_001127835.2, residues 991-1011): CPSDMDVEMP[Gly1001Arg]LNLDAERKPA

ClinVar aggregate classification (germline): Uncertain significance (1 of 4 stars; one submission).

Conditions:
Cardiovascular phenotype. Identifiers: MedGen CN230736.

gnomAD v4.1: 1 of 1,551,616 alleles (0.000064%); highest among the groups gnomAD compares: Non-Finnish European, 0.000087%; no homozygotes.

Submission:

Ambry Genetics
Classification: Uncertain significance for Cardiovascular phenotype. Last evaluated: 2026-02-12. Review status: criteria provided, single submitter. Criteria: Ambry Variant Classification Scheme 2023. Collection method: clinical testing. Allele origin: germline.
Comment: The p.G1001R variant (also known as c.3001G>C), located in coding exon 11 of the RBM20 gene, results from a G to C substitution at nucleotide position 3001. The glycine at codon 1001 is replaced by arginine, an amino acid with dissimilar properties. This amino acid position is not well conserved in available vertebrate species. In addition, the in silico prediction for this alteration is inconclusive. Based on the available evidence, the clinical significance of this variant remains unclear.